The following is an entry in ClinVar:

ClinVar aggregate classification (germline): Likely benign. Review status: criteria provided, single submitter (1 of 4 stars). 2 submissions from 2 submitters: Likely benign (1). 1 of the submissions does not count toward it. Last evaluated 2025-06-12.

Conditions:
MC3R-related disorder. Also called: MC3R-related condition.

Allele frequency attached by ClinVar (database versions not stated): gnomAD exomes 0.00005; gnomAD 0.00006; ExAC 0.00008; ESP Exome Variant Server 0.00008; TOPMed 0.00009.

Submissions (2):

Labcorp Genetics (formerly Invitae), Labcorp
Classification: Likely benign. Last evaluated: 2025-06-12. Review status: criteria provided, single submitter. Criteria: Invitae Variant Classification Sherloc (09022015). Collection method: clinical testing. Allele origin: germline.

PreventionGenetics, part of Exact Sciences
Classification: Likely benign for MC3R-related condition. Last evaluated: 2019-09-18. Review status: no assertion criteria provided. Collection method: clinical testing. Allele origin: germline. Not counted in ClinVar's aggregate classification.
Comment: This variant is classified as likely benign based on ACMG/AMP sequence variant interpretation guidelines (Richards et al. 2015 PMID: 25741868, with internal and published modifications).

NM_019888.3(MC3R):c.96C>T (p.Ser32=)

Gene: MC3R (melanocortin 3 receptor; plus strand). Cytogenetic location: 20q13.2.
Variant type: single nucleotide variant.
Coding change: c.96C>T on transcript NM_019888.3 (MANE Select); coding-DNA position 96, C replaced by T.
Protein change: p.Ser32=; no amino-acid change (serine 32 retained).
Molecular consequence: synonymous variant.
Genome position (GRCh38, 1-based): chr20:56,248,939, C>T. VCF-style: chr20-56248939-C-T. GRCh37 (hg19) VCF-style: chr20-54823995-C-T.
Identifiers: ClinVar variation 3053336 (VCV003053336.3), dbSNP rs369920230, ClinGen allele CA9916926.